The following is an entry in ClinVar:

ClinVar aggregate classification (germline): Likely pathogenic. Review status: criteria provided, multiple submitters, no conflicts (2 of 4 stars). 5 submissions from 4 submitters: Likely pathogenic (3). 2 of the submissions do not count toward it. Last evaluated 2024-11-19.

Conditions:
Joubert syndrome 2 (JBTS2). Also called: CEREBELLOOCULORENAL SYNDROME 2. Identifiers: Orphanet 2318, MedGen C1842577, MONDO:0011963, OMIM 608091.
Meckel syndrome, type 2 (MKS2). Also called: MKS2-Related Meckel Syndrome; MECKEL-GRUBER SYNDROME, TYPE 2. Identifiers: Orphanet 564, MedGen C1864148, MONDO:0011296, OMIM 603194.
Joubert syndrome. Also called: JOUBERT-BOLTSHAUSER SYNDROME; Familial aplasia of the vermis; CEREBELLOPARENCHYMAL DISORDER IV. Identifiers: Orphanet 475, MedGen C5979921, MONDO:0018772.

Allele frequency attached by ClinVar (database versions not stated): gnomAD exomes 0.00001.

Submissions (5):

Labcorp Genetics (formerly Invitae), Labcorp
Classification: Likely pathogenic for Joubert syndrome. Last evaluated: 2024-11-19. Review status: criteria provided, single submitter. Criteria: Invitae Variant Classification Sherloc (09022015). Collection method: clinical testing. Allele origin: germline.
Comment: This sequence change affects a donor splice site in intron 1 of the TMEM216 gene. It is expected to disrupt RNA splicing. Variants that disrupt the donor or acceptor splice site typically lead to a loss of protein function (PMID: 16199547), and loss-of-function variants in TMEM216 are known to be pathogenic (PMID: 20512146). This variant is present in population databases (no rsID available, gnomAD 0.002%). This variant has not been reported in the literature in individuals affected with TMEM216-related conditions. ClinVar contains an entry for this variant (Variation ID: 371740). Algorithms developed to predict the effect of sequence changes on RNA splicing suggest that this variant may disrupt the consensus splice site. In summary, the currently available evidence indicates that the variant is pathogenic, but additional data are needed to prove that conclusively. Therefore, this variant has been classified as Likely Pathogenic.

Baylor Genetics
Classification: Likely pathogenic for Joubert syndrome 2. Last evaluated: 2024-03-30. Review status: criteria provided, single submitter. Criteria: ACMG Guidelines, 2015. Collection method: clinical testing. Allele origin: unknown.

Fulgent Genetics
Classification: Likely pathogenic for Meckel syndrome, type 2; Joubert syndrome 2. Last evaluated: 2022-03-04. Review status: criteria provided, single submitter. Criteria: ACMG Guidelines, 2015. Collection method: clinical testing. Allele origin: unknown.

Counsyl
Classification: Likely pathogenic for Meckel syndrome, type 2. Last evaluated: 2016-05-19. Review status: no assertion criteria provided. Collection method: clinical testing. Allele origin: unknown. Not counted in ClinVar's aggregate classification.

Counsyl
Classification: Likely pathogenic for Joubert syndrome 2. Last evaluated: 2016-05-19. Review status: no assertion criteria provided. Collection method: clinical testing. Allele origin: unknown. Not counted in ClinVar's aggregate classification.

Literature cited by the submitters: PubMed 16199547 (cited by Labcorp Genetics (formerly Invitae), Labcorp); PubMed 20512146 (cited by Labcorp Genetics (formerly Invitae), Labcorp).

NM_001173990.3(TMEM216):c.34+2T>C

Gene: TMEM216 (transmembrane protein 216; plus strand). Cytogenetic location: 11q12.2.
Variant type: single nucleotide variant.
Coding change: c.34+2T>C on transcript NM_001173990.3 (MANE Select); the canonical splice donor site of the intron after coding-DNA position 34, T replaced by C.
Molecular consequence: splice donor variant. On other transcripts: 5 prime UTR variant (2).
Genome position (GRCh38, 1-based): chr11:61,392,667, T>C. VCF-style: chr11-61392667-T-C. GRCh37 (hg19) VCF-style: chr11-61160139-T-C.
Other names: c.-162T>C (NM_001330285.2, NM_016499.6); c.34+2T>C (NM_001173991.3).
Identifiers: ClinVar variation 371740 (VCV000371740.13), dbSNP rs1057517498, ClinGen allele CA16041469.
Genomic context (GRCh38, chr11:61,392,667, plus strand): 5'-GCTCCGGGAGCCGCTGTGGCAGCGTATGCTGCCACGGGGACTGAAGATGGCGCCGCGAGG[T>C]GAGATTCCGGAGGTGTGTGAGTCGCTGGTCCCTTTCCCTTCGGTCGCTCCCTCCCACCTC-3'